The following is an entry in ClinVar:

ClinVar aggregate classification (germline): Uncertain significance. Review status: criteria provided, multiple submitters, no conflicts (2 of 4 stars). 7 submissions from 3 submitters: Uncertain significance (7). Last evaluated 2022-08-10.

Conditions:
Autosomal recessive limb-girdle muscular dystrophy type 2J (LGMDR10). Also called: Limb-girdle muscular dystrophy, type 2J; MUSCULAR DYSTROPHY, LIMB-GIRDLE, AUTOSOMAL RECESSIVE 10. Identifiers: Orphanet 140922, MedGen C1837342, MONDO:0012127, OMIM 608807.
Dilated cardiomyopathy 1G (CMD1G). Identifiers: Orphanet 154, MedGen C1858763, MONDO:0011400, OMIM 604145.
Early-onset myopathy with fatal cardiomyopathy (CMYO5). Also called: Salih Myopathy; CONGENITAL MYOPATHY 5 WITH CARDIOMYOPATHY. Identifiers: Orphanet 289377, MedGen C2673677, MONDO:0012714, OMIM 611705. Disease mechanism: loss of function.
Myopathy, myofibrillar, 9, with early respiratory failure (MFM9). Also called: Hereditary myopathy with early respiratory failure; EDSTROM MYOPATHY; MYOPATHY, PROXIMAL, WITH EARLY RESPIRATORY MUSCLE INVOLVEMENT; Myopathy, distal, with early respiratory failure, autosomal dominant. Identifiers: Orphanet 178464, Orphanet 34521, MedGen C1863599, MONDO:0011362, OMIM 603689.
Tibial muscular dystrophy (TMD). Also called: Udd Distal Myopathy – Tibial Muscular Dystrophy; Tibial muscular dystrophy, tardive; UDD MYOPATHY. Identifiers: Orphanet 609, MedGen C1838244, MONDO:0010870, OMIM 600334.

gnomAD v4.1: 2 of 1,612,292 alleles (0.00012%); highest among the groups gnomAD compares: Non-Finnish European, 0.00017%; no homozygotes.

Submissions (7):

Labcorp Genetics (formerly Invitae), Labcorp
Classification: Uncertain significance for Dilated cardiomyopathy 1G; Autosomal recessive limb-girdle muscular dystrophy type 2J. Last evaluated: 2022-08-10. Review status: criteria provided, single submitter. Criteria: Invitae Variant Classification Sherloc (09022015). Collection method: clinical testing. Allele origin: germline.
Comment: This sequence change affects codon 16054 of the TTN mRNA. It is a 'silent' change, meaning that it does not change the encoded amino acid sequence of the TTN protein. This variant also falls at the last nucleotide of exon 256, which is part of the consensus splice site for this exon. This variant is not present in population databases (gnomAD no frequency). This variant has been observed in individual(s) with clinical features of dilated cardiomyopathy (PMID: 31983221). ClinVar contains an entry for this variant (Variation ID: 660844). Experimental studies and prediction algorithms are not available or were not evaluated, and the functional significance of this variant is currently unknown. Variants that disrupt the consensus splice site are a relatively common cause of aberrant splicing (PMID: 17576681, 9536098). Algorithms developed to predict the effect of sequence changes on RNA splicing suggest that this variant may disrupt the consensus splice site. This variant is located in the A band of TTN (PMID: 25589632). Variants in this region may be relevant for cardiac or neuromuscular disorders (PMID: 25589632, 23975875). In summary, the available evidence is currently insufficient to determine the role of this variant in disease. Therefore, it has been classified as a Variant of Uncertain Significance.

Revvity Omics, Revvity
Classification: Uncertain significance. Last evaluated: 2021-03-18. Review status: criteria provided, single submitter. Criteria: ACMG Guidelines, 2015. Collection method: clinical testing. Allele origin: germline.

Illumina Laboratory Services, Illumina
Classification: Uncertain significance for Myopathy, myofibrillar, 9, with early respiratory failure. Last evaluated: 2018-01-15. Review status: criteria provided, single submitter. Criteria: ICSL Variant Classification Criteria 13 December 2019. Collection method: clinical testing. Allele origin: germline.

Illumina Laboratory Services, Illumina
Classification: Uncertain significance for Autosomal recessive limb-girdle muscular dystrophy type 2J. Last evaluated: 2018-01-15. Review status: criteria provided, single submitter. Criteria: ICSL Variant Classification Criteria 13 December 2019. Collection method: clinical testing. Allele origin: germline.

Illumina Laboratory Services, Illumina
Classification: Uncertain significance for Tibial muscular dystrophy. Last evaluated: 2018-01-15. Review status: criteria provided, single submitter. Criteria: ICSL Variant Classification Criteria 13 December 2019. Collection method: clinical testing. Allele origin: germline.

Illumina Laboratory Services, Illumina
Classification: Uncertain significance for Dilated cardiomyopathy 1G. Last evaluated: 2018-01-15. Review status: criteria provided, single submitter. Criteria: ICSL Variant Classification Criteria 13 December 2019. Collection method: clinical testing. Allele origin: germline.

Illumina Laboratory Services, Illumina
Classification: Uncertain significance for Early-onset myopathy with fatal cardiomyopathy. Last evaluated: 2018-01-15. Review status: criteria provided, single submitter. Criteria: ICSL Variant Classification Criteria 13 December 2019. Collection method: clinical testing. Allele origin: germline.

Literature cited by the submitters: PubMed 31983221 (cited by Labcorp Genetics (formerly Invitae), Labcorp); PubMed 17576681 (cited by Labcorp Genetics (formerly Invitae), Labcorp); PubMed 9536098 (cited by Labcorp Genetics (formerly Invitae), Labcorp); PubMed 25589632 (cited by Labcorp Genetics (formerly Invitae), Labcorp); PubMed 23975875 (cited by Labcorp Genetics (formerly Invitae), Labcorp).

NM_001267550.2(TTN):c.48160G>A (p.Ala16054Thr)

Genes: TTN-AS1 (TTN antisense RNA 1; plus strand), TTN (titin; minus strand). Cytogenetic location: 2q31.2.
Variant type: single nucleotide variant.
Coding change: c.48160G>A on transcript NM_001267550.2 (MANE Select); coding-DNA position 48160, G replaced by A.
Protein change: p.Ala16054Thr; replaces alanine 16054 with threonine.
Molecular consequence: missense variant.
Genome position (GRCh38, 1-based): chr2:178,616,729, C>T on the plus strand (G>A on the coding strand, the complement: TTN is on the minus strand). VCF-style: chr2-178616729-C-T. GRCh37 (hg19) VCF-style: chr2-179481456-C-T.
Other names: c.43237G>A, p.Ala14413Thr (NM_001256850.1); c.20965G>A, p.Ala6989Thr (NM_003319.4); c.40456G>A, p.Ala13486Thr (NM_133378.4); c.21340G>A, p.Ala7114Thr (NM_133432.3); c.21541G>A, p.Ala7181Thr (NM_133437.4); short protein forms A14413T, A13486T, A16054T, A6989T, A7114T, A7181T.
Identifiers: ClinVar variation 660844 (VCV000660844.14), dbSNP rs1576492463, ClinGen allele CA349611889.